The following is an entry in ClinVar:

GRCh38/hg38 7q21.11(chr7:80627421-80651297)x0

Gene: CD36 (CD36 molecule (CD36 blood group); plus strand). Cytogenetic location: 7q21.11.
Variant type: copy number loss.
Change: copy number 0 (both copies lost) of chr7:80,627,421-80,651,297 (23.9 kb, GRCh38 coordinates, 1-based), cytogenetic band 7q21.11.
Identifiers: ClinVar variation 153237 (VCV000153237.3).

ClinVar aggregate classification (germline): Pathogenic/Likely pathogenic (0 of 4 stars; one submission).

Submission:

ISCA site 1
Classification: Pathogenic/Likely pathogenic. Last evaluated: 2014-12-16. Review status: no assertion criteria provided. Collection method: clinical testing. Allele origin: unknown, biparental. Affected: yes. Observed: 1 variant allele, 8 homozygotes. Clinical features observed: Muscular hypotonia (HP:0001252), Global developmental delay (HP:0001263), Neurodegeneration (HP:0002180), Delayed speech and language development (HP:0000750), Intellectual disability (HP:0001249), Delayed gross motor development (HP:0002194), Delayed fine motor development (HP:0010862), Seizures (HP:0001250), Failure to thrive (HP:0001508), Abnormal facial shape (HP:0002260), Autistic behavior (HP:0000729), Hyperactivity (HP:0000752), and 1 more.
Comment: Pathogenic(8), Likely pathogenic(1)

Copy number variation identified through the course of routine clinical cytogenomic testing in postnatal populations, with clinical assertions as classified by the original submitter. For data from the original published study, Kaminsky, et al. 2011 (PubMed 21844811), please see nstd101.